The following is an entry in ClinVar:

ClinVar aggregate classification (germline): Benign/Likely benign. Review status: criteria provided, multiple submitters, no conflicts (2 of 4 stars). 2 submissions from 2 submitters: Benign (1); Likely benign (1). Last evaluated 2026-08-19.

Conditions:
DICER1-related tumor predisposition. Also called: DICER1-related pleuropulmonary blastoma cancer predisposition syndrome; DICER1 syndrome. Identifiers: Orphanet 284343, MedGen C3839822, MONDO:0100216.
Hereditary cancer-predisposing syndrome. Also called: Hereditary neoplastic syndrome; Neoplastic Syndromes, Hereditary; Tumor predisposition; Hereditary Cancer Syndrome. Identifiers: Orphanet 140162, MedGen C0027672, MeSH D009386, MONDO:0015356.

Submissions (2):

Myriad Genetics, Inc.
Classification: Benign for DICER1-related tumor predisposition. Last evaluated: 2026-08-19. Review status: criteria provided, single submitter. Criteria: Myriad Autosomal Dominant, Autosomal Recessive and X-Linked Classification Criteria (2023). Collection method: clinical testing. Allele origin: unknown.
Comment: This variant is considered benign. This variant is a silent/synonymous amino acid change and it is not expected to impact splicing.

Ambry Genetics
Classification: Likely benign for Hereditary cancer-predisposing syndrome. Last evaluated: 2022-08-28. Review status: criteria provided, single submitter. Criteria: Ambry Variant Classification Scheme 2023. Collection method: clinical testing. Allele origin: germline.

NM_177438.3(DICER1):c.1281A>G (p.Lys427=)

Gene: DICER1 (dicer 1, ribonuclease III; minus strand). Cytogenetic location: 14q32.13.
Variant type: single nucleotide variant.
Coding change: c.1281A>G on transcript NM_177438.3 (MANE Select); coding-DNA position 1281, A replaced by G.
Protein change: p.Lys427=; no amino-acid change (lysine 427 retained).
Molecular consequence: synonymous variant. On other transcripts: 5 prime UTR variant (1), non-coding transcript variant (6).
Genome position (GRCh38, 1-based): chr14:95,124,291, T>C on the plus strand (A>G on the coding strand, the complement: DICER1 is on the minus strand). VCF-style: chr14-95124291-T-C. GRCh37 (hg19) VCF-style: chr14-95590628-T-C.
Other names: c.1281A>G, p.Lys427= (NM_001195573.1, NM_001271282.3, NM_001291628.2 and 15 more transcripts); c.999A>G, p.Lys333= (NM_001395686.1); c.876A>G, p.Lys292= (NM_001395687.1, NM_001395688.1, NM_001395689.1 and 3 more transcripts); c.714A>G, p.Lys238= (NM_001395691.1); c.-288A>G (NM_001395697.1).
Identifiers: ClinVar variation 1767959 (VCV001767959.3), dbSNP rs2140202073, ClinGen allele CA487845160.